The following is an entry in ClinVar:

ClinVar aggregate classification (germline): Likely pathogenic (1 of 4 stars; one submission).

Conditions:
Junctional epidermolysis bullosa gravis of Herlitz. Also called: Herlitz-type junctional epidermolysis bullosa; Epidermolysis Bullosa Letalis; EPIDERMOLYSIS BULLOSA, JUNCTIONAL 1B, SEVERE; EPIDERMOLYSIS BULLOSA JUNCTIONALIS, HERLITZ TYPE; EPIDERMOLYSIS BULLOSA, JUNCTIONAL, HERLITZ-PEARSON TYPE; JEB-HERLITZ TYPE. Identifiers: Orphanet 79404, MedGen C0079683, MONDO:0009182, OMIM 226700.

Allele frequency attached by ClinVar (database versions not stated): ExAC below 0.00001.

Submission:

Myriad Genetics, Inc.
Classification: Likely pathogenic for Junctional epidermolysis bullosa gravis of Herlitz. Last evaluated: 2019-08-14. Review status: criteria provided, single submitter. Criteria: Myriad Women's Health Autosomal Recessive and X-Linked Classification Criteria (2019). Collection method: clinical testing. Allele origin: unknown.
Comment: NM_000228.2(LAMB3):c.1143T>A(C381*) is expected to be pathogenic in the context of Herlitz junctional epidermolysis bullosa, LAMB3-related. This variant is predicted to lead to an abnormal or absent protein product due to the creation of a premature termination codon in LAMB3, a gene where loss-of-function variants are known to be pathogenic. Please note: this variant was assessed in the context of healthy population screening.

NM_000228.3(LAMB3):c.1143T>A (p.Cys381Ter)

Gene: LAMB3 (laminin subunit beta 3; minus strand). Cytogenetic location: 1q32.2.
Variant type: single nucleotide variant.
Coding change: c.1143T>A on transcript NM_000228.3 (MANE Select); coding-DNA position 1143, T replaced by A.
Protein change: p.Cys381Ter; replaces cysteine 381 with a stop codon.
Molecular consequence: nonsense.
Genome position (GRCh38, 1-based): chr1:209,628,180, A>T on the plus strand (T>A on the coding strand, the complement: LAMB3 is on the minus strand). VCF-style: chr1-209628180-A-T. GRCh37 (hg19) VCF-style: chr1-209801525-A-T.
Other names: c.1143T>A, p.Cys381Ter (NM_001017402.2, NM_001127641.1); short protein forms C381*.
Identifiers: ClinVar variation 984101 (VCV000984101.3), dbSNP rs769748910, ClinGen allele CA1375678.